The following is an entry in ClinVar:

ClinVar aggregate classification (germline): Uncertain significance (1 of 4 stars; one submission).

Submission:

GeneDx
Classification: Uncertain significance. Last evaluated: 2023-12-20. Review status: criteria provided, single submitter. Criteria: GeneDx Variant Classification Process June 2021. Collection method: clinical testing. Allele origin: germline. Affected: yes.
Comment: Not observed at significant frequency in large population cohorts (gnomAD); In silico analysis supports that this missense variant has a deleterious effect on protein structure/function; Has not been previously published as pathogenic or benign to our knowledge

NM_000701.8(ATP1A1):c.2720C>T (p.Thr907Ile)

Genes: ATP1A1 (ATPase Na+/K+ transporting subunit alpha 1; plus strand), ATP1A1-AS1 (ATP1A1 antisense RNA 1; minus strand). Cytogenetic location: 1p13.1.
Variant type: single nucleotide variant.
Coding change: c.2720C>T on transcript NM_000701.8 (MANE Select); coding-DNA position 2720, C replaced by T.
Protein change: p.Thr907Ile; replaces threonine 907 with isoleucine.
Molecular consequence: missense variant. On other transcripts: non-coding transcript variant (2).
Genome position (GRCh38, 1-based): chr1:116,401,131, C>T. VCF-style: chr1-116401131-C-T. GRCh37 (hg19) VCF-style: chr1-116943753-C-T.
Other names: c.2720C>T, p.Thr907Ile (NM_001160233.2); c.2627C>T, p.Thr876Ile (NM_001160234.2); short protein forms T876I, T907I.
Identifiers: ClinVar variation 3365902 (VCV003365902.1).